The following is an entry in ClinVar:

NM_000350.3(ABCA4):c.2401G>A (p.Ala801Thr)

Gene: ABCA4 (ATP binding cassette subfamily A member 4; minus strand). Cytogenetic location: 1p22.1.
Variant type: single nucleotide variant.
Coding change: c.2401G>A on transcript NM_000350.3 (MANE Select); coding-DNA position 2401, G replaced by A.
Protein change: p.Ala801Thr; replaces alanine 801 with threonine.
Molecular consequence: missense variant.
Genome position (GRCh38, 1-based): chr1:94,055,297, C>T on the plus strand (G>A on the coding strand, the complement: ABCA4 is on the minus strand). VCF-style: chr1-94055297-C-T. GRCh37 (hg19) VCF-style: chr1-94520853-C-T.
Other names: c.2179G>A, p.Ala727Thr (NM_001425324.1); short protein forms A801T, A727T.
Identifiers: ClinVar variation 631618 (VCV000631618.44), dbSNP rs374410829, ClinGen allele CA26843455.

ClinVar aggregate classification (germline): Pathogenic/Likely pathogenic. Review status: criteria provided, multiple submitters, no conflicts (2 of 4 stars). 6 submissions from 6 submitters: Pathogenic (4); Likely pathogenic (2). Last evaluated 2026-01-14.

Conditions:
ABCA4-related disorder. Also called: ABCA4-related condition; ABCA4-related disorders. Identifiers: MedGen CN239167.
Stargardt disease (FFM). Also called: Stargardt's disease; Fundus flavimaculatus. Identifiers: Orphanet 827, MedGen C0271093, MONDO:0019353.
Severe early-childhood-onset retinal dystrophy (STGD1). Also called: Stargardt macular dystrophy; Juvenile onset macular degeneration; Stargardt disease 1; MACULAR DYSTROPHY WITH FLECKS, TYPE 1; STGD. Identifiers: Orphanet 364055, Orphanet 827, MedGen C1855465, MeSH D000080362, MONDO:0009549, OMIM 248200.

Allele frequency attached by ClinVar (database versions not stated): gnomAD 0.00001; gnomAD exomes 0.00001; TOPMed 0.00002; ESP Exome Variant Server 0.00008.
gnomAD v4.1: 9 of 1,613,962 alleles (0.00056%); highest among the groups gnomAD compares: Non-Finnish European, 0.00076%; no homozygotes.

Submissions (6):

Labcorp Genetics (formerly Invitae), Labcorp
Classification: Pathogenic. Last evaluated: 2026-01-14. Review status: criteria provided, single submitter. Criteria: Invitae Variant Classification Sherloc (09022015). Collection method: clinical testing. Allele origin: germline.
Comment: This sequence change replaces alanine, which is neutral and non-polar, with threonine, which is neutral and polar, at codon 801 of the ABCA4 protein (p.Ala801Thr). This variant is present in population databases (rs374410829, gnomAD 0.002%). This missense change has been observed in individual(s) with clinical features of ABCA4-related conditions (PMID: 28559085, 32531858, 32619608; internal data). ClinVar contains an entry for this variant (Variation ID: 631618). Invitae Evidence Modeling of protein sequence and biophysical properties (such as structural, functional, and spatial information, amino acid conservation, physicochemical variation, residue mobility, and thermodynamic stability) indicates that this missense variant is expected to disrupt ABCA4 protein function with a positive predictive value of 95%. For these reasons, this variant has been classified as Pathogenic.

Women's Health and Genetics/Laboratory Corporation of America, LabCorp
Classification: Pathogenic for Stargardt disease. Last evaluated: 2025-07-14. Review status: criteria provided, single submitter. Criteria: LabCorp Variant Classification Summary - May 2015. Collection method: clinical testing. Allele origin: germline.
Comment: Variant summary: ABCA4 c.2401G>A (p.Ala801Thr) results in a non-conservative amino acid change in the encoded protein sequence. Algorithms developed to predict the effect of missense changes on protein structure and function all suggest that this variant is likely to be disruptive. The variant allele was found at a frequency of 8e-06 in 250726 control chromosomes. c.2401G>A has been observed in multiple individuals affected with Stargardt Disease or Cone-Rod Dystrophy (Stone_2017, Weisschuh_2020, Downs_2007, Buhler_2021, Khan_2019, Fujinami_2019, Fenner_2024). These data indicate that the variant is very likely to be associated with disease. To our knowledge, no experimental evidence demonstrating an impact on protein function has been reported. The following publications have been ascertained in the context of this evaluation (PMID: 34073554, 17296903, 38309476, 29925512, 31212395, 28559085, 32531858). ClinVar contains an entry for this variant (Variation ID: 631618). Based on the evidence outlined above, the variant was classified as pathogenic.

Blueprint Genetics
Classification: Pathogenic for ABCA4-related disorders. Last evaluated: 2022-08-31. Review status: criteria provided, single submitter. Criteria: ACMG Guidelines, 2015. Collection method: clinical testing. Allele origin: germline. Affected: yes. Observed: 5 variant alleles.

CeGaT Center for Human Genetics Tuebingen
Classification: Likely pathogenic. Last evaluated: 2022-06-01. Review status: criteria provided, single submitter. Criteria: CeGaT Center For Human Genetics Tuebingen Variant Classification Criteria Version 2. Collection method: clinical testing. Allele origin: germline. Affected: yes. Observed: 1 variant allele.
Comment: ABCA4: PM3:Strong, PM1, PM2, PP4

Institute of Medical Genetics and Applied Genomics, University Hospital Tübingen
Classification: Pathogenic. Last evaluated: 2021-09-15. Review status: criteria provided, single submitter. Criteria: ACMG Guidelines, 2015. Collection method: clinical testing. Allele origin: germline. Inheritance: Autosomal recessive inheritance. Affected: yes.

Institute of Medical Molecular Genetics, University of Zurich
Classification: Likely pathogenic for Severe early-childhood-onset retinal dystrophy. Last evaluated: 2021-01-30. Review status: criteria provided, single submitter. Criteria: ACMG Guidelines, 2015. Collection method: clinical testing. Allele origin: unknown. Affected: yes.

Literature cited by the submitters: PubMed 28559085 (cited by Labcorp Genetics (formerly Invitae), Labcorp and Women's Health and Genetics/Laboratory Corporation of America, LabCorp); PubMed 32531858 (cited by Labcorp Genetics (formerly Invitae), Labcorp and Women's Health and Genetics/Laboratory Corporation of America, LabCorp); PubMed 32619608 (cited by Labcorp Genetics (formerly Invitae), Labcorp); PubMed 29925512 (cited by Women's Health and Genetics/Laboratory Corporation of America, LabCorp); PubMed 31212395 (cited by Women's Health and Genetics/Laboratory Corporation of America, LabCorp); PubMed 17296903 (cited by Women's Health and Genetics/Laboratory Corporation of America, LabCorp); PubMed 38309476 (cited by Women's Health and Genetics/Laboratory Corporation of America, LabCorp); PubMed 34073554 (cited by Women's Health and Genetics/Laboratory Corporation of America, LabCorp).